The following is an entry in ClinVar:

NM_001042492.3(NF1):c.1392G>T (p.Pro464=)

Gene: NF1 (neurofibromin 1; plus strand). Cytogenetic location: 17q11.2.
Variant type: single nucleotide variant.
Coding change: c.1392G>T on transcript NM_001042492.3 (MANE Select); coding-DNA position 1392, G replaced by T.
Protein change: p.Pro464=; no amino-acid change (proline 464 retained).
Molecular consequence: synonymous variant.
Genome position (GRCh38, 1-based): chr17:31,206,371, G>T. VCF-style: chr17-31206371-G-T. GRCh37 (hg19) VCF-style: chr17-29533389-G-T.
Other names: c.1392G>T, p.Pro464= (NM_000267.4, NM_001128147.3).
Identifiers: ClinVar variation 404557 (VCV000404557.7), dbSNP rs201604273, ClinGen allele CA16615162.

ClinVar aggregate classification (germline): Uncertain significance. Review status: criteria provided, multiple submitters, no conflicts (2 of 4 stars). 2 submissions from 2 submitters: Uncertain significance (2). Last evaluated 2025-11-17.

Conditions:
Hereditary cancer-predisposing syndrome. Also called: Tumor predisposition; Neoplastic Syndromes, Hereditary; Hereditary Cancer Syndrome; Hereditary neoplastic syndrome. Identifiers: Orphanet 140162, MedGen C0027672, MeSH D009386, MONDO:0015356.
Cardiovascular phenotype. Identifiers: MedGen CN230736.
Neurofibromatosis, type 1 (NF1). Also called: Neurofibromatosis, type I; NEUROFIBROMATOSIS, TYPE I, SOMATIC; Peripheral type neurofibromatosis; VON RECKLINGHAUSEN DISEASE. Identifiers: Orphanet 636, MedGen C0027831, MONDO:0018975, OMIM 162200. Disease mechanism: loss of function.

gnomAD v4.1: 14 of 1,613,452 alleles (0.00087%); highest among the groups gnomAD compares: Non-Finnish European, 0.0012%; no homozygotes.

Submissions (2):

Labcorp Genetics (formerly Invitae), Labcorp
Classification: Uncertain significance for Neurofibromatosis, type 1. Last evaluated: 2025-11-17. Review status: criteria provided, single submitter. Criteria: Invitae Variant Classification Sherloc (09022015). Collection method: clinical testing. Allele origin: germline.
Comment: This sequence change affects codon 464 of the NF1 mRNA. It is a 'silent' change, meaning that it does not change the encoded amino acid sequence of the NF1 protein. This variant also falls at the last nucleotide of exon 12, which is part of the consensus splice site for this exon. This variant is not present in population databases (gnomAD no frequency). This variant has not been reported in the literature in individuals affected with NF1-related conditions. ClinVar contains an entry for this variant (Variation ID: 404557). Variants that disrupt the consensus splice site are a relatively common cause of aberrant splicing (PMID: 17576681, 9536098). Algorithms developed to predict the effect of sequence changes on RNA splicing suggest that this variant is not likely to affect RNA splicing. In summary, the available evidence is currently insufficient to determine the role of this variant in disease. Therefore, it has been classified as a Variant of Uncertain Significance.

Ambry Genetics
Classification: Uncertain significance for Cardiovascular phenotype; Hereditary cancer-predisposing syndrome. Last evaluated: 2025-04-02. Review status: criteria provided, single submitter. Criteria: Ambry Variant Classification Scheme 2023. Collection method: clinical testing. Allele origin: germline.
Comment: The c.1392G>T variant (also known as p.P464P), located in coding exon 12 of the NF1 gene, results from a G to T substitution at nucleotide position 1392. This nucleotide substitution does not change the proline at codon 464. However, this change occurs in the last base pair of coding exon 12, which makes it likely to have some effect on normal mRNA splicing. This nucleotide position is not well conserved in available vertebrate species. In silico splice site analysis for this alteration is inconclusive; however, direct evidence is insufficient at this time (Ambry internal data). Since supporting evidence is limited at this time, the clinical significance of this alteration remains unclear.

Literature cited by the submitters: PubMed 17576681 (cited by Labcorp Genetics (formerly Invitae), Labcorp); PubMed 9536098 (cited by Labcorp Genetics (formerly Invitae), Labcorp).